The following is an entry in ClinVar:

NM_000525.4(KCNJ11):c.617G>A (p.Arg206His)

Gene: KCNJ11 (potassium inwardly rectifying channel subfamily J member 11; minus strand). Cytogenetic location: 11p15.1.
Variant type: single nucleotide variant.
Coding change: c.617G>A on transcript NM_000525.4 (MANE Select); coding-DNA position 617, G replaced by A.
Protein change: p.Arg206His; replaces arginine 206 with histidine.
Molecular consequence: missense variant.
Genome position (GRCh38, 1-based): chr11:17,387,475, C>T on the plus strand (G>A on the coding strand, the complement: KCNJ11 is on the minus strand). VCF-style: chr11-17387475-C-T. GRCh37 (hg19) VCF-style: chr11-17409022-C-T.
Other names: c.356G>A, p.Arg119His (NM_001166290.2, NM_001377296.1, NM_001377297.1); short protein forms R119H, R206H.
Identifiers: ClinVar variation 1162197 (VCV001162197.9), dbSNP rs1554901747, ClinGen allele CA379772144.
Genomic context (GRCh38, chr11:17,387,475, plus strand): 5'-GGGCTGGTGGTCTTGCGTACCACCTGCATGTGGATGGTGGCGCTGATGATCATGCTCTTG[C>T]GGAGGTCACCCACACGTAGCATGAAGCAGAGGCGGCCGTGGCGCAGGGCGATCACCGCAT-3'
Protein context (NP_000516.3, residues 196-216): LCFMLRVGDL[Arg206His]KSMIISATIH

ClinVar aggregate classification (germline): Pathogenic/Likely pathogenic. Review status: criteria provided, multiple submitters, no conflicts (2 of 4 stars). 5 submissions from 5 submitters: Pathogenic (2); Likely pathogenic (2). 1 of the submissions does not count toward it. Last evaluated 2025-07-10.

Conditions:
Familial hyperinsulinism. Also called: Congenital hyperinsulinism. Identifiers: Orphanet 276525, MedGen C3888018, MONDO:0017182. Disease mechanism: loss of function.
KCNJ11-related disorder. Also called: KCNJ11-related condition; KCNJ11-related disorders.
Maturity-onset diabetes of the young type 13. Also called: MODY, TYPE 13. Identifiers: Orphanet 552, MedGen C4225365, MONDO:0014589, OMIM 616329.
Hyperinsulinemic hypoglycemia, familial, 2. Also called: HYPERINSULINEMIC HYPOGLYCEMIA, PERSISTENT; HYPERINSULINISM, NEONATAL. Identifiers: Orphanet 276580, Orphanet 276603, MedGen C2931833, MONDO:0011153, OMIM 601820. Disease mechanism: loss of function.

Submissions (5):

Women's Health and Genetics/Laboratory Corporation of America, LabCorp
Classification: Pathogenic for Familial hyperinsulinism. Last evaluated: 2025-07-10. Review status: criteria provided, single submitter. Criteria: LabCorp Variant Classification Summary - May 2015. Collection method: clinical testing. Allele origin: germline.
Comment: Variant summary: KCNJ11 c.617G>A (p.Arg206His) results in a non-conservative amino acid change in the encoded protein sequence. Algorithms developed to predict the effect of missense changes on protein structure and function all suggest that this variant is likely to be disruptive. The variant was absent in 248626 control chromosomes. c.617G>A has been observed in individual(s) affected with Congenital Hyperinsulinism (Boodhansingh_2019, De Franco_2020, Donath_2019). These data indicate that the variant may be associated with disease. A different variant affecting the same codon has been classified as likely pathogenic/pathogenic by our lab (c.616C>T, p.Arg206Cys), supporting the critical relevance of codon 206 to KCNJ11 protein function. At least one publication reports experimental evidence evaluating an impact on protein function (De Franco_2020). The most pronounced variant effect results in dominant negative effect that results in total blockage of normal channel complex function. The following publications have been ascertained in the context of this evaluation (PMID: 31464105, 32027066, 31291970). ClinVar contains an entry for this variant (Variation ID: 1162197). Based on the evidence outlined above, the variant was classified as pathogenic.

PreventionGenetics, part of Exact Sciences
Classification: Likely pathogenic for KCNJ11-related condition. Last evaluated: 2025-01-27. Review status: criteria provided, single submitter. Criteria: ACMG Guidelines, 2015. Collection method: clinical testing. Allele origin: germline.
Comment: The KCNJ11 c.617G>A variant is predicted to result in the amino acid substitution p.Arg206His. This variant has been reported in the heterozygous state in seven patients with hyperinsulinism and/or late onset diabetes, at least one of which was reported to have occurred de novo (Table S2, Donath et al. 2019. PubMed ID: 31291970; Boodhansingh et al. 2019. PubMed ID: 31464105; De Franco et al. 2020. PubMed ID: 32027066). Two patients were indicated to be diazoxide responsive, and in vitro functional studies found this variant had a significantly reduced KATP channel efflux rate (Boodhansingh et al. 2019. PubMed ID: 31464105). This variant has not been reported in a large population database (gnomAD), indicating this variant is rare. This variant is interpreted as likely pathogenic.

Labcorp Genetics (formerly Invitae), Labcorp
Classification: Pathogenic. Last evaluated: 2023-08-08. Review status: criteria provided, single submitter. Criteria: Invitae Variant Classification Sherloc (09022015). Collection method: clinical testing. Allele origin: germline.
Comment: For these reasons, this variant has been classified as Pathogenic. This variant disrupts the p.Arg206 amino acid residue in KCNJ11. Other variant(s) that disrupt this residue have been determined to be pathogenic (PMID: 25555642, 27908292, 30026763). This suggests that this residue is clinically significant, and that variants that disrupt this residue are likely to be disease-causing. Experimental studies have shown that this missense change affects KCNJ11 function (PMID: 31464105). Advanced modeling of protein sequence and biophysical properties (such as structural, functional, and spatial information, amino acid conservation, physicochemical variation, residue mobility, and thermodynamic stability) performed at Invitae indicates that this missense variant is expected to disrupt KCNJ11 protein function. ClinVar contains an entry for this variant (Variation ID: 1162197). This missense change has been observed in individuals with autosomal dominant familial hyperinsulinism and/or later‐onset diabetes (PMID: 31291970, 31464105, 32027066). This variant is not present in population databases (gnomAD no frequency). This sequence change replaces arginine, which is basic and polar, with histidine, which is basic and polar, at codon 206 of the KCNJ11 protein (p.Arg206His).

NxGen MDx
Classification: Likely pathogenic for Hyperinsulinemic hypoglycemia, familial, 2. Last evaluated: 2019-12-06. Review status: criteria provided, single submitter. Criteria: ACMG Guidelines, 2015. Collection method: clinical testing. Allele origin: unknown.
Comment: The missense variant c.617G>A (p.Arg206His) on exon 1 of KCNJ11 is not found in gnomAD databases (PM2). This variant has several pathogenic computational verdicts (PP3) and is reported in Boodhansingh et al. (PMID 31464105) in 2 unrelated infants affected with congenital hyperinsulinism. Functional data of this variant from the same study shows total loss of efflux (PS3). We interpret c.617G>A to be likely pathogenic.

Shanghai Diabetes Institute, Shanghai Sixth People's Hospital Affiliated to Shanghai Jiao Tong University School of Medicine
Classification: Pathogenic for Maturity-onset diabetes of the young type 13. Last evaluated: 2024-08-31. Review status: no assertion criteria provided. Collection method: case-control. Allele origin: germline. Affected: yes. Observed: 2 variant alleles. Not counted in ClinVar's aggregate classification.
Comment: In a family of four, the mother and younger son have diabetes and both carry the mutation, while the father and older son do not carry the mutation and have a normal phenotype, indicating a complete genotype-phenotype correlation in the family.

Literature cited by the submitters: PubMed 32027066 (cited by Women's Health and Genetics/Laboratory Corporation of America, LabCorp and Labcorp Genetics (formerly Invitae), Labcorp); PubMed 31291970 (cited by Women's Health and Genetics/Laboratory Corporation of America, LabCorp and Labcorp Genetics (formerly Invitae), Labcorp); PubMed 31464105 (cited by 3 submitters); PubMed 25555642 (cited by Labcorp Genetics (formerly Invitae), Labcorp); PubMed 27908292 (cited by Labcorp Genetics (formerly Invitae), Labcorp); PubMed 30026763 (cited by Labcorp Genetics (formerly Invitae), Labcorp).